The following is an entry in ClinVar:

ClinVar aggregate classification (germline): Uncertain significance. Review status: criteria provided, multiple submitters, no conflicts (2 of 4 stars). 2 submissions from 2 submitters: Uncertain significance (2). Last evaluated 2026-07-16.

Conditions:
Juvenile polyposis syndrome (JPS). Identifiers: Orphanet 2929, MedGen C0345893, MONDO:0017380, OMIM 174900.
Hereditary cancer-predisposing syndrome. Also called: Tumor predisposition; Hereditary neoplastic syndrome; Neoplastic Syndromes, Hereditary; Hereditary Cancer Syndrome. Identifiers: Orphanet 140162, MedGen C0027672, MeSH D009386, MONDO:0015356.

Submissions (2):

Ambry Genetics
Classification: Uncertain significance for Hereditary cancer-predisposing syndrome. Last evaluated: 2026-07-16. Review status: criteria provided, single submitter. Criteria: Ambry Variant Classification Scheme 2023. Collection method: clinical testing. Allele origin: germline.
Comment: The p.W249R variant (also known as c.745T>C), located in coding exon 7 of the BMPR1A gene, results from a T to C substitution at nucleotide position 745. The tryptophan at codon 249 is replaced by arginine, an amino acid with dissimilar properties. This amino acid position is highly conserved in available vertebrate species. In addition, this alteration is predicted to be deleterious by in silico analysis. Based on the available evidence, the clinical significance of this variant remains unclear.

Labcorp Genetics (formerly Invitae), Labcorp
Classification: Uncertain significance for Juvenile polyposis syndrome. Last evaluated: 2024-12-12. Review status: criteria provided, single submitter. Criteria: Invitae Variant Classification Sherloc (09022015). Collection method: clinical testing. Allele origin: germline.
Comment: This sequence change replaces tryptophan, which is neutral and slightly polar, with arginine, which is basic and polar, at codon 249 of the BMPR1A protein (p.Trp249Arg). This variant is not present in population databases (gnomAD no frequency). This variant has not been reported in the literature in individuals affected with BMPR1A-related conditions. ClinVar contains an entry for this variant (Variation ID: 827066). Invitae Evidence Modeling of protein sequence and biophysical properties (such as structural, functional, and spatial information, amino acid conservation, physicochemical variation, residue mobility, and thermodynamic stability) has been performed for this missense variant. However, the output from this modeling did not meet the statistical confidence thresholds required to predict the impact of this variant on BMPR1A protein function. In summary, the available evidence is currently insufficient to determine the role of this variant in disease. Therefore, it has been classified as a Variant of Uncertain Significance.

NM_004329.3(BMPR1A):c.745T>C (p.Trp249Arg)

Gene: BMPR1A (bone morphogenetic protein receptor type 1A; plus strand). Cytogenetic location: 10q23.2.
Variant type: single nucleotide variant.
Coding change: c.745T>C on transcript NM_004329.3 (MANE Select); coding-DNA position 745, T replaced by C.
Protein change: p.Trp249Arg; replaces tryptophan 249 with arginine.
Molecular consequence: missense variant.
Genome position (GRCh38, 1-based): chr10:86,917,203, T>C. VCF-style: chr10-86917203-T-C. GRCh37 (hg19) VCF-style: chr10-88676960-T-C.
Other names: short protein forms W249R.
Identifiers: ClinVar variation 827066 (VCV000827066.9), dbSNP rs1006323095, ClinGen allele CA211206989.
Genomic context (GRCh38, chr10:86,917,203, plus strand): 5'-ACTATTGCCAAACAGATTCAGATGGTCCGGCAAGTTGGTAAAGGCCGATATGGAGAAGTA[T>C]GGATGGGCAAATGGCGTGGCGAAAAAGTGGCGGTGAAAGTATTCTTTACCACTGAAGAAG-3'
Protein context (NP_004320.2, residues 239-259): QVGKGRYGEV[Trp249Arg]MGKWRGEKVA